The following is an entry in ClinVar:

ClinVar aggregate classification (germline): Benign/Likely benign. Review status: criteria provided, multiple submitters, no conflicts (2 of 4 stars). 5 submissions from 5 submitters: Benign (3); Likely benign (2). Last evaluated 2026-01-09.

Conditions:
History of neurodevelopmental disorder. Identifiers: MedGen C2711754.
Intellectual developmental disorder, X-linked 21. Also called: MENTAL RETARDATION, X-LINKED 34; Mental retardation, X-linked 21/34; Intellectual disability, X-linked 21. Identifiers: Orphanet 777, MedGen C5551510, MONDO:0010256, OMIM 300143.

Allele frequency attached by ClinVar (database versions not stated): gnomAD 0.00127; 1000 Genomes Project 30x 0.00021; ExAC 0.00130; ESP Exome Variant Server 0.00095; TOPMed 0.00124; gnomAD exomes 0.00152 and 0.00137; 1000 Genomes Project 0.00026.
gnomAD v4.1: 1,687 of 1,206,504 alleles (0.14%); highest among the groups gnomAD compares: South Asian, 0.19%; 6 homozygotes.

Submissions (5):

Labcorp Genetics (formerly Invitae), Labcorp
Classification: Benign. Last evaluated: 2026-01-09. Review status: criteria provided, single submitter. Criteria: Invitae Variant Classification Sherloc (09022015). Collection method: clinical testing. Allele origin: germline.

Blueprint Genetics
Classification: Likely benign. Last evaluated: 2024-11-11. Review status: criteria provided, single submitter. Criteria: ACMG Guidelines, 2015. Collection method: clinical testing. Allele origin: germline.

GeneDx
Classification: Benign. Last evaluated: 2019-09-18. Review status: criteria provided, single submitter. Criteria: GeneDx Variant Classification Process June 2021. Collection method: clinical testing. Allele origin: germline. Affected: yes.

Illumina Laboratory Services, Illumina
Classification: Benign for Intellectual developmental disorder, X-linked 21. Last evaluated: 2018-01-12. Review status: criteria provided, single submitter. Criteria: ICSL Variant Classification Criteria 13 December 2019. Collection method: clinical testing. Allele origin: germline.
Comment: This variant was observed in the ICSL laboratory as part of a predisposition screen in an ostensibly healthy population. It had not been previously curated by ICSL or reported in the Human Gene Mutation Database (HGMD: prior to June 1st, 2018), and was therefore a candidate for classification through an automated scoring system. Utilizing variant allele frequency, disease prevalence and penetrance estimates, and inheritance mode, an automated score was calculated to assess if this variant is too frequent to cause the disease. Based on the score and internal cut-off values, a variant classified as benign is not then subjected to further curation. The score for this variant resulted in a classification of benign for this disease.

Ambry Genetics
Classification: Likely benign for History of neurodevelopmental disorder. Last evaluated: 2012-08-28. Review status: criteria provided, single submitter. Criteria: Ambry Autosomal Dominant and X-Linked criteria (10/2015). Collection method: clinical testing. Allele origin: germline. Observed: 1 variant allele.

NM_014271.4(IL1RAPL1):c.12G>A (p.Pro4=)

Gene: IL1RAPL1 (interleukin 1 receptor accessory protein like 1; plus strand). Cytogenetic location: Xp21.3.
Variant type: single nucleotide variant.
Coding change: c.12G>A on transcript NM_014271.4 (MANE Select); coding-DNA position 12, G replaced by A.
Protein change: p.Pro4=; no amino-acid change (proline 4 retained).
Molecular consequence: synonymous variant.
Genome position (GRCh38, 1-based): chrX:28,789,355, G>A. VCF-style: chrX-28789355-G-A. GRCh37 (hg19) VCF-style: chrX-28807472-G-A.
Identifiers: ClinVar variation 368188 (VCV000368188.18), dbSNP rs143600441, ClinGen allele CA10375351.
Genomic context (GRCh38, chrX:28,789,355, plus strand): 5'-TTCTTCTTTTTAATCTTTGCTTTAGGGAACGGCCTTTAAGAGCTGGAAGATGAAAGCTCC[G>A]ATTCCACACTTGATTCTCTTATACGCTACTTTTACTCAGAGTTTGAAGGTTGTGACCAAA-3'
Protein context (NP_055086.1, residues 1-14): MKA[Pro4=]IPHLILLYAT